The following is an entry in ClinVar:

NM_002474.3(MYH11):c.4924G>A (p.Glu1642Lys)

Genes: NDE1 (nudE neurodevelopment protein 1; plus strand), MYH11 (myosin heavy chain 11; minus strand). Cytogenetic location: 16p13.11.
Variant type: single nucleotide variant.
Coding change: c.4924G>A on transcript NM_002474.3 (MANE Select); coding-DNA position 4924, G replaced by A.
Protein change: p.Glu1642Lys; replaces glutamic acid 1642 with lysine.
Molecular consequence: missense variant. On other transcripts: intron variant (2).
Genome position (GRCh38, 1-based): chr16:15,720,180, C>T on the plus strand (G>A on the coding strand, the complement: MYH11 is on the minus strand). VCF-style: chr16-15720180-C-T. GRCh37 (hg19) VCF-style: chr16-15814037-C-T.
Other names: c.4945G>A, p.Glu1649Lys (NM_001040113.2, NM_001040114.2); c.4924G>A, p.Glu1642Lys (NM_022844.3); c.948-4011C>T (NM_001143979.2, NM_017668.3); short protein forms E1649K, E1642K.
Identifiers: ClinVar variation 923285 (VCV000923285.5), dbSNP rs2040391117, ClinGen allele CA394852317.

ClinVar aggregate classification (germline): Uncertain significance (1 of 4 stars; one submission).

Conditions:
Familial thoracic aortic aneurysm and aortic dissection (TAAD). Also called: Thoracic aortic aneurysms and dissections. Identifiers: Orphanet 91387, MedGen C4707243, MONDO:0019625.

Submission:

Color Diagnostics, LLC DBA Color Health
Classification: Uncertain significance for Familial thoracic aortic aneurysm and aortic dissection. Last evaluated: 2023-12-05. Review status: criteria provided, single submitter. Criteria: ACMG Guidelines, 2015. Collection method: clinical testing. Allele origin: germline.
Comment: Variant of Uncertain Significance due to insufficient evidence: This missense variant replaces glutamic acid with lysine at codon 1649 of the MYH11 protein. Computational prediction tools and conservation analyses suggest that this variant may have deleterious impact on the protein function. Computational splicing tools suggest that this variant may not impact RNA splicing. To our knowledge, functional assays have not been performed for this variant nor has this variant been reported in individuals affected with cardiovascular disorders in the literature. This variant has not been identified in the general population by the Genome Aggregation Database (gnomAD). Available evidence is insufficient to determine the role of this variant in disease conclusively.